The following is an entry in ClinVar:

ClinVar aggregate classification (germline): Pathogenic/Likely pathogenic. Review status: criteria provided, multiple submitters, no conflicts (2 of 4 stars). 10 submissions from 10 submitters: Pathogenic (6); Likely pathogenic (4). Last evaluated 2026-04-21.

Conditions:
Sanfilippo syndrome. Also called: Sanfilippo disease; Mucopolysaccharidosis type 3; Mucopolysaccharidosis Type III. Identifiers: Orphanet 581, MedGen C0026706, MONDO:0018937.
HGSNAT-related disorders.
HGSNAT-related disorder. Also called: HGSNAT-related condition.
Retinitis pigmentosa 73 (RP73). Identifiers: Orphanet 791, MedGen C4225287, MONDO:0014687, OMIM 616544.
Mucopolysaccharidosis, MPS-III-C (MPS3C). Also called: Mucopolysaccharidosis type IIIC (Sanfilippo C); SANFILIPPO SYNDROME C; MUCOPOLYSACCHARIDOSIS, TYPE IIIC; mucopolysaccharidosis type 3C; MPS IIIC (Sanfilippo Syndrome Type C); MPS III C. Identifiers: Orphanet 581, Orphanet 79271, MedGen C0086649, MONDO:0009657, OMIM 252930.
Retinal dystrophy. Also called: Inherited retinal dystrophy. Identifiers: Orphanet 71862, MedGen C0854723, MeSH D058499, MONDO:0019118, HP:0000556.

Allele frequency attached by ClinVar (database versions not stated): gnomAD 0.00004; TOPMed 0.00002; gnomAD exomes 0.00004 and 0.00013; ExAC 0.00022.

Submissions (10):

PreventionGenetics, part of Exact Sciences
Classification: Likely pathogenic for HGSNAT-related condition. Last evaluated: 2026-04-21. Review status: criteria provided, single submitter. Criteria: ACMG Guidelines, 2015. Collection method: clinical testing. Allele origin: germline.
Comment: The HGSNAT c.1622C>T variant is predicted to result in the amino acid substitution p.Ser541Leu. This variant has been reported in individuals with mucopolysaccharidosis IIIC/Sanfilippo syndrome C (see for example: referred to as S569L in Hrebicek et al. 2006. PubMed ID: 17033958; Feldhammer et al. 2009. PubMed ID: 19823584; Table S7, Stranneheim et al. 2021. PubMed ID: 33726816). It has also been reported in an individual with non-syndromic inherited retinal disease (Fadaie et al. 2021. PubMed ID: 34795310). This variant has been shown to impact protein folding and localization (Feldhammer et al. 2009. PubMed ID: 19823584). This variant is present in 0.023% of alleles in individuals of European (Non-Finnish) descent in gnomAD. This variant is interpreted as likely pathogenic.

GeneDx
Classification: Pathogenic. Last evaluated: 2025-10-05. Review status: criteria provided, single submitter. Criteria: GeneDx Variant Classification Process June 2021. Collection method: clinical testing. Allele origin: germline. Affected: yes.
Comment: In silico analysis supports that this missense variant has a deleterious effect on protein structure/function; This variant is associated with the following publications: (PMID: 34795310, 20583299, 19823584, 17033958, 33726816, 32770643, 27491071, Agarwal2020[casereport], 34047372, 31228227, 39411402)

Institute of Human Genetics, University of Leipzig Medical Center
Classification: Likely pathogenic for Retinitis pigmentosa 73. Last evaluated: 2025-09-05. Review status: criteria provided, single submitter. Criteria: ACMG Guidelines, 2015. Collection method: clinical testing. Allele origin: unknown. Inheritance: Autosomal recessive inheritance. Affected: yes.
Comment: Criteria applied: PS3,PM3,PM2_SUP,PP3; Identified as compund heterozygous with NM_152419.3:c.1843G>A

Labcorp Genetics (formerly Invitae), Labcorp
Classification: Pathogenic for Retinitis pigmentosa 73; Mucopolysaccharidosis, MPS-III-C. Last evaluated: 2025-07-07. Review status: criteria provided, single submitter. Criteria: Invitae Variant Classification Sherloc (09022015). Collection method: clinical testing. Allele origin: germline.
Comment: This sequence change replaces serine, which is neutral and polar, with leucine, which is neutral and non-polar, at codon 541 of the HGSNAT protein (p.Ser541Leu). This variant is present in population databases (rs756310864, gnomAD 0.02%). This missense change has been observed in individuals with mucopolysaccharidosis type IIIC (PMID: 17033958, 19479962, 19823584). ClinVar contains an entry for this variant (Variation ID: 569073). Invitae Evidence Modeling of protein sequence and biophysical properties (such as structural, functional, and spatial information, amino acid conservation, physicochemical variation, residue mobility, and thermodynamic stability) indicates that this missense variant is expected to disrupt HGSNAT protein function with a positive predictive value of 95%. Experimental studies have shown that this missense change affects HGSNAT function (PMID: 19823584, 20583299). For these reasons, this variant has been classified as Pathogenic.

Natera, Inc.
Classification: Pathogenic for Mucopolysaccharidosis type IIIC. Last evaluated: 2025-06-22. Review status: criteria provided, single submitter. Criteria: Natera Variant Classification Schema (03/2026). Collection method: clinical testing. Allele origin: germline.
Comment: The c.1622C>T variant in HGSNAT is a missense variant predicted to cause substitution of serine to leucine at amino acid 541. This variant is rare in the general population with a frequency below the threshold expected for the associated phenotype(s). This variant has been observed in one or more individuals affected with the associated recessive disease, as either homozygous or compound heterozygous with a second variant (PMID: 31228227, 19479962, 17033958, 19823584). Additionally, this variant has been observed to segregate in affected family members (PMID: 19479962). Functional studies show that this variant may disrupt protein function (PMID: 19823584). Computational prediction algorithms indicate this variant is likely to affect gene or protein function. Given the available evidence, this variant is classified as Pathogenic.

Blueprint Genetics
Classification: Pathogenic for HGSNAT-related disorders. Last evaluated: 2024-05-27. Review status: criteria provided, single submitter. Criteria: ACMG Guidelines, 2015. Collection method: clinical testing. Allele origin: germline. Affected: yes. Observed: 5 variant alleles.

Women's Health and Genetics/Laboratory Corporation of America, LabCorp
Classification: Pathogenic for Sanfilippo syndrome. Last evaluated: 2023-07-28. Review status: criteria provided, single submitter. Criteria: LabCorp Variant Classification Summary - May 2015. Collection method: clinical testing. Allele origin: germline.
Comment: Variant summary: HGSNAT c.1622C>T (p.Ser541Leu) results in a non-conservative amino acid change in the encoded protein sequence. Four of four in-silico tools predict a damaging effect of the variant on protein function. The variant allele was found at a frequency of 0.00013 in 249208 control chromosomes (gnomAD). This frequency is not significantly higher than estimated for a pathogenic variant in HGSNAT causing Mucopolysaccharidosis Type IIIC (Sanfilippo Syndrome C) (0.00013 vs 0.001), allowing no conclusion about variant significance. c.1622C>T has been reported in the literature in compound heterozygous individuals affected with Mucopolysaccharidosis Type IIIC (Sanfilippo Syndrome C) (Hrebcek_2006, Feldhammer_2009, Schiff_2020). These data indicate that the variant is likely to be associated with disease. At least two functional studies report experimental evidence evaluating an impact on protein function. The most pronounced variant effect results in <10% of normal activity (Feldhammer_2009, Fedele_2010). The following publications have been ascertained in the context of this evaluation (PMID: 20583299, 19823584, 17033958, 32770643). Four submitters have cited clinical-significance assessments for this variant to ClinVar after 2014. All submitters classified the variant as pathogenic (n=3) and likely pathogenic (n=1). Based on the evidence outlined above, the variant was classified as pathogenic.

Department of Pathology and Laboratory Medicine, Sinai Health System
Classification: Likely pathogenic for Mucopolysaccharidosis, MPS-III-C; Retinitis pigmentosa 73. Last evaluated: 2023-03-09. Review status: criteria provided, single submitter. Criteria: ACMG Guidelines, 2015. Collection method: research. Allele origin: germline.

Centre for Inherited Metabolic Diseases, Karolinska University Hospital
Classification: Pathogenic for Mucopolysaccharidosis, MPS-III-C. Last evaluated: 2021-04-07. Review status: criteria provided, single submitter. Criteria: ACMG Guidelines, 2015. Collection method: clinical testing. Allele origin: germline. Inheritance: Autosomal recessive inheritance. Affected: yes. Observed: 1 homozygote.

Institute of Human Genetics, Univ. Regensburg, Univ. Regensburg
Classification: Likely pathogenic for Retinal dystrophy. Last evaluated: 2020-01-01. Review status: criteria provided, single submitter. Criteria: ACMG Guidelines, 2015. Collection method: clinical testing. Allele origin: germline. Affected: yes.

Literature cited by the submitters: PubMed 17033958 (cited by 4 submitters); PubMed 19479962 (cited by Labcorp Genetics (formerly Invitae), Labcorp and Natera, Inc.); PubMed 19823584 (cited by 4 submitters); PubMed 20583299 (cited by 3 submitters); PubMed 31228227 (cited by Natera, Inc.); PubMed 32770643 (cited by Women's Health and Genetics/Laboratory Corporation of America, LabCorp); PubMed 34795310 (cited by Institute of Human Genetics, Univ. Regensburg, Univ. Regensburg); PubMed 33726816 (cited by Institute of Human Genetics, Univ. Regensburg, Univ. Regensburg).

NM_152419.3(HGSNAT):c.1622C>T (p.Ser541Leu)

Gene: HGSNAT (heparan-alpha-glucosaminide N-acetyltransferase; plus strand). Cytogenetic location: 8p11.21.
Variant type: single nucleotide variant.
Coding change: c.1622C>T on transcript NM_152419.3 (MANE Select); coding-DNA position 1622, C replaced by T.
Protein change: p.Ser541Leu; replaces serine 541 with leucine.
Molecular consequence: missense variant.
Genome position (GRCh38, 1-based): chr8:43,197,848, C>T. VCF-style: chr8-43197848-C-T. GRCh37 (hg19) VCF-style: chr8-43052991-C-T.
Other names: c.1709C>T, p.Ser570Leu (NM_001363227.2); c.1430C>T, p.Ser477Leu (NM_001363228.2); c.758C>T, p.Ser253Leu (NM_001363229.2); short protein forms S541L, S477L, S253L, S570L.
Identifiers: ClinVar variation 569073 (VCV000569073.21), dbSNP rs756310864, ClinGen allele CA4736983.
Genomic context (GRCh38, chr8:43,197,848, plus strand): 5'-AAATTGGATTTGTTCCGTACGAGCACTGAAACGTCTCCTCCACCCCTCCCAGGTCCCTTT[C>T]GTATGTCACTACGCTCAGTTCTTTTGCCTTCTTCATCCTGCTGGTCCTGTACCCAGTTGT-3'
Protein context (NP_689632.2, residues 531-551): IPVNKNLWSL[Ser541Leu]YVTTLSSFAF